The following is an entry in ClinVar:

NM_023036.6(DNAI2):c.1357dup (p.Glu453fs)

Gene: DNAI2 (dynein axonemal intermediate chain 2; plus strand). Cytogenetic location: 17q25.1.
Variant type: Duplication.
Coding change: c.1357dup on transcript NM_023036.6 (MANE Select); coding-DNA position 1357, one base duplicated (G; older notation c.1357dupG).
Protein change: p.Glu453fs; shifts the reading frame from glutamic acid 453.
Molecular consequence: frameshift variant. On other transcripts: non-coding transcript variant (1), intron variant (1).
Genome position (GRCh38, 1-based): chr17:74,310,026, G duplicated. VCF-style (leftmost placement, unchanged base first): chr17-74310025-C-CG. GRCh37 (hg19) VCF-style: chr17-72306164-C-CG.
Other names: c.1357dup, p.Glu453fs (NM_001353167.2); c.1348-27dup (NM_001172810.3); short protein forms E453fs.
Identifiers: ClinVar variation 454932 (VCV000454932.9), dbSNP rs1555614910, ClinGen allele CA658658709.

ClinVar aggregate classification (germline): Pathogenic (1 of 4 stars; one submission).

Conditions:
Primary ciliary dyskinesia. Also called: Ciliary dyskinesia. Identifiers: Orphanet 244, MedGen C0008780, MONDO:0016575, HP:0012265.

Submission:

Labcorp Genetics (formerly Invitae), Labcorp
Classification: Pathogenic for Primary ciliary dyskinesia. Last evaluated: 2022-07-05. Review status: criteria provided, single submitter. Criteria: Invitae Variant Classification Sherloc (09022015). Collection method: clinical testing. Allele origin: germline.
Comment: For these reasons, this variant has been classified as Pathogenic. ClinVar contains an entry for this variant (Variation ID: 454932). This premature translational stop signal has been observed in individual(s) with primary ciliary dyskinesia (PMID: 23891469). This variant is not present in population databases (gnomAD no frequency). This sequence change creates a premature translational stop signal (p.Glu453Glyfs*40) in the DNAI2 gene. It is expected to result in an absent or disrupted protein product. Loss-of-function variants in DNAI2 are known to be pathogenic (PMID: 18950741, 23891469).

Literature cited by the submitters: PubMed 23891469; PubMed 18950741.